The following is an entry in ClinVar:

ClinVar aggregate classification (germline): Likely pathogenic (1 of 4 stars; one submission).

Conditions:
Neurofibromatosis, type 1 (NF1). Also called: VON RECKLINGHAUSEN DISEASE; Neurofibromatosis, type I; NEUROFIBROMATOSIS, TYPE I, SOMATIC; Peripheral type neurofibromatosis. Identifiers: Orphanet 636, MedGen C0027831, MONDO:0018975, OMIM 162200. Disease mechanism: loss of function.

Submission:

Labcorp Genetics (formerly Invitae), Labcorp
Classification: Likely pathogenic for Neurofibromatosis, type 1. Last evaluated: 2024-09-09. Review status: criteria provided, single submitter. Criteria: Invitae Variant Classification Sherloc (09022015). Collection method: clinical testing. Allele origin: germline.
Comment: This sequence change replaces arginine, which is basic and polar, with serine, which is neutral and polar, at codon 997 of the NF1 protein (p.Arg997Ser). This variant is not present in population databases (gnomAD no frequency). This missense change has been observed in individual(s) with Noonan syndrome (internal data). ClinVar contains an entry for this variant (Variation ID: 649695). An algorithm developed to predict the effect of missense changes on protein structure and function (PolyPhen-2) suggests that this variant is likely to be disruptive. In summary, the currently available evidence indicates that the variant is pathogenic, but additional data are needed to prove that conclusively. Therefore, this variant has been classified as Likely Pathogenic.

NM_001042492.3(NF1):c.2991G>C (p.Arg997Ser)

Gene: NF1 (neurofibromin 1; plus strand). Cytogenetic location: 17q11.2.
Variant type: single nucleotide variant.
Coding change: c.2991G>C on transcript NM_001042492.3 (MANE Select); coding-DNA position 2991, G replaced by C.
Protein change: p.Arg997Ser; replaces arginine 997 with serine.
Molecular consequence: missense variant.
Genome position (GRCh38, 1-based): chr17:31,230,260, G>C. VCF-style: chr17-31230260-G-C. GRCh37 (hg19) VCF-style: chr17-29557278-G-C.
Other names: c.2991G>C, p.Arg997Ser (NM_000267.4); short protein forms R997S.
Identifiers: ClinVar variation 649695 (VCV000649695.7), dbSNP rs755501749, ClinGen allele CA398986500.